The following is an entry in ClinVar:

ClinVar aggregate classification (germline): Benign (0 of 4 stars; one submission).

Conditions:
SEMA6D-related disorder. Also called: SEMA6D-related condition.

Allele frequency attached by ClinVar (database versions not stated): gnomAD exomes 0.01333; ExAC 0.03965; gnomAD 0.07462; ESP Exome Variant Server 0.07729; TOPMed 0.07992; 1000 Genomes Project 0.12600; 1000 Genomes Project 30x 0.12914.
gnomAD v4.1: 31,508 of 1,613,834 alleles (2%); highest among the groups gnomAD compares: African/African-American, 24%; 2,915 homozygotes.

Submission:

PreventionGenetics, part of Exact Sciences
Classification: Benign for SEMA6D-related condition. Last evaluated: 2020-01-14. Review status: no assertion criteria provided. Collection method: clinical testing. Allele origin: germline.
Comment: This variant is classified as benign based on ACMG/AMP sequence variant interpretation guidelines (Richards et al. 2015 PMID: 25741868, with internal and published modifications).

NM_001358351.3(SEMA6D):c.920A>G (p.Asn307Ser)

Gene: SEMA6D (semaphorin 6D; plus strand). Cytogenetic location: 15q21.1.
Variant type: single nucleotide variant.
Coding change: c.920A>G on transcript NM_001358351.3 (MANE Select); coding-DNA position 920, A replaced by G.
Protein change: p.Asn307Ser; replaces asparagine 307 with serine.
Molecular consequence: missense variant.
Genome position (GRCh38, 1-based): chr15:47,764,022, A>G. VCF-style: chr15-47764022-A-G. GRCh37 (hg19) VCF-style: chr15-48056219-A-G.
Other names: c.920A>G, p.Asn307Ser (NM_001198999.2, NM_001358352.2, NM_020858.2 and 5 more transcripts); short protein forms N307S.
Identifiers: ClinVar variation 3057033 (VCV003057033.2), dbSNP rs3743279, ClinGen allele CA7545138.